The following is an entry in ClinVar:

NC_000005.10:g.112707414G>C

Gene: APC (APC regulator of Wnt signaling pathway; plus strand). Cytogenetic location: 5q22.2.
Variant type: single nucleotide variant.
Genome position: GRCh38 VCF-style: chr5-112707414-G-C. GRCh37 (hg19) VCF-style: chr5-112043111-G-C.
Identifiers: ClinVar variation 2145522 (VCV002145522.5), dbSNP rs1432662523, ClinGen allele CA2580072230.

ClinVar aggregate classification (germline): Uncertain significance (1 of 4 stars; one submission).

Conditions:
Familial adenomatous polyposis 1 (FAP1). Also called: POLYPOSIS, ADENOMATOUS INTESTINAL; FAMILIAL ADENOMATOUS POLYPOSIS 1, ATTENUATED. Identifiers: MedGen C2713442, MONDO:0021056, OMIM 175100. Disease mechanism: loss of function.

Submission:

Labcorp Genetics (formerly Invitae), Labcorp
Classification: Uncertain significance for Familial adenomatous polyposis 1. Last evaluated: 2025-09-27. Review status: criteria provided, single submitter. Criteria: Invitae Variant Classification Sherloc (09022015). Collection method: clinical testing. Allele origin: germline.
Comment: This variant occurs in a non-coding region of the APC gene. It does not change the encoded amino acid sequence of the APC protein. This variant is not present in population databases (gnomAD no frequency). This variant has not been reported in the literature in individuals affected with APC-related conditions. Experimental studies and prediction algorithms are not available or were not evaluated, and the functional significance of this variant is currently unknown. In summary, the available evidence is currently insufficient to determine the role of this variant in disease. Therefore, it has been classified as a Variant of Uncertain Significance.